The following is an entry in ClinVar:

ClinVar aggregate classification (germline): Uncertain significance (1 of 4 stars; one submission).

Conditions:
Landau-Kleffner syndrome (FESD). Also called: EPILEPSY, FOCAL, WITH SPEECH DISORDER AND WITH OR WITHOUT MENTAL RETARDATION; APHASIA, ACQUIRED, WITH EPILEPSY. Identifiers: Orphanet 1945, Orphanet 725, Orphanet 98818, MedGen C0282512, MONDO:0009509, OMIM 245570.

Allele frequency attached by ClinVar (database versions not stated): gnomAD exomes below 0.00001.
gnomAD v4.1: 1 of 1,613,772 alleles (0.000062%); highest among the groups gnomAD compares: East Asian, 0.0022%; no homozygotes.

Submission:

Labcorp Genetics (formerly Invitae), Labcorp
Classification: Uncertain significance for Landau-Kleffner syndrome. Last evaluated: 2022-06-04. Review status: criteria provided, single submitter. Criteria: Invitae Variant Classification Sherloc (09022015). Collection method: clinical testing. Allele origin: germline.
Comment: Advanced modeling of protein sequence and biophysical properties (such as structural, functional, and spatial information, amino acid conservation, physicochemical variation, residue mobility, and thermodynamic stability) performed at Invitae indicates that this missense variant is not expected to disrupt GRIN2A protein function. ClinVar contains an entry for this variant (Variation ID: 569523). This variant has not been reported in the literature in individuals affected with GRIN2A-related conditions. This variant is not present in population databases (gnomAD no frequency). This sequence change replaces lysine, which is basic and polar, with asparagine, which is neutral and polar, at codon 441 of the GRIN2A protein (p.Lys441Asn). In summary, the available evidence is currently insufficient to determine the role of this variant in disease. Therefore, it has been classified as a Variant of Uncertain Significance.

NM_001134407.3(GRIN2A):c.1323A>C (p.Lys441Asn)

Gene: GRIN2A (glutamate ionotropic receptor NMDA type subunit 2A; minus strand). Cytogenetic location: 16p13.2.
Variant type: single nucleotide variant.
Coding change: c.1323A>C on transcript NM_001134407.3 (MANE Select); coding-DNA position 1323, A replaced by C.
Protein change: p.Lys441Asn; replaces lysine 441 with asparagine.
Molecular consequence: missense variant.
Genome position (GRCh38, 1-based): chr16:9,849,761, T>G on the plus strand (A>C on the coding strand, the complement: GRIN2A is on the minus strand). VCF-style: chr16-9849761-T-G. GRCh37 (hg19) VCF-style: chr16-9943618-T-G.
Other names: c.1323A>C, p.Lys441Asn (NM_000833.5, NM_001134408.2); short protein forms K441N.
Identifiers: ClinVar variation 569523 (VCV000569523.8), dbSNP rs903996899, ClinGen allele CA278182620.